The following is an entry in ClinVar:

ClinVar aggregate classification (germline): Uncertain significance. Review status: criteria provided, multiple submitters, no conflicts (2 of 4 stars). 2 submissions from 2 submitters: Uncertain significance (2). Last evaluated 2022-04-25.

Conditions:
Cranium bifidum occultum. Also called: CATLIN MARKS; CRANIUM BIFIDUM, HEREDITARY; Enlarged Parietal Foramina. Identifiers: MedGen C1868598, HP:0004423.
Craniosynostosis 2 (CRS2). Also called: Warman-Mulliken-Hayward syndrome; Craniosynostosis Warman type; Craniosynostosis Boston type. Identifiers: Orphanet 1541, MedGen C1858160, MONDO:0011481, OMIM 604757.

Allele frequency attached by ClinVar (database versions not stated): gnomAD exomes below 0.00001 and 0.00001; TOPMed below 0.00001.

Submissions (2):

Labcorp Genetics (formerly Invitae), Labcorp
Classification: Uncertain significance for Cranium bifidum occultum. Last evaluated: 2022-04-25. Review status: criteria provided, single submitter. Criteria: Invitae Variant Classification Sherloc (09022015). Collection method: clinical testing. Allele origin: germline.
Comment: This sequence change replaces alanine, which is neutral and non-polar, with threonine, which is neutral and polar, at codon 238 of the MSX2 protein (p.Ala238Thr). This variant is present in population databases (no rsID available, gnomAD 0.0009%). This variant has not been reported in the literature in individuals affected with MSX2-related conditions. Algorithms developed to predict the effect of missense changes on protein structure and function output the following: SIFT: "Tolerated"; PolyPhen-2: "Benign"; Align-GVGD: "Class C0". The threonine amino acid residue is found in multiple mammalian species, which suggests that this missense change does not adversely affect protein function. In summary, the available evidence is currently insufficient to determine the role of this variant in disease. Therefore, it has been classified as a Variant of Uncertain Significance.

Department of Clinical Genetics, Copenhagen University Hospital, Rigshospitalet
Classification: Uncertain significance for Craniosynostosis 2. Last evaluated: 2021-08-01. Review status: criteria provided, single submitter. Criteria: ACMG Guidelines, 2015. Collection method: clinical testing. Allele origin: unknown. Affected: yes.

NM_002449.5(MSX2):c.712G>A (p.Ala238Thr)

Gene: MSX2 (msh homeobox 2; plus strand). Cytogenetic location: 5q35.2.
Variant type: single nucleotide variant.
Coding change: c.712G>A on transcript NM_002449.5 (MANE Select); coding-DNA position 712, G replaced by A.
Protein change: p.Ala238Thr; replaces alanine 238 with threonine.
Molecular consequence: missense variant. On other transcripts: 3 prime UTR variant (1).
Genome position (GRCh38, 1-based): chr5:174,729,491, G>A. VCF-style: chr5-174729491-G-A. GRCh37 (hg19) VCF-style: chr5-174156494-G-A.
Other names: c.*336G>A (NM_001363626.2); short protein forms A238T.
Identifiers: ClinVar variation 1424628 (VCV001424628.8), dbSNP rs1435910539, ClinGen allele CA362230467.